The following is an entry in ClinVar:

ClinVar aggregate classification (germline): Pathogenic (1 of 4 stars; one submission).

Conditions:
Microcephaly, normal intelligence and immunodeficiency (NBS). Also called: SEEMANOVA SYNDROME II; IMMUNODEFICIENCY, MICROCEPHALY, AND CHROMOSOMAL INSTABILITY; Immunodeficiency, microcephaly with normal intelligence; BERLIN BREAKAGE SYNDROME; Nijmegen breakage syndrome; Microcephaly with normal intelligence immunodeficiency and lymphoreticular malignancies. Identifiers: Orphanet 647, MedGen C0398791, MONDO:0009623, OMIM 251260.

Submission:

Labcorp Genetics (formerly Invitae), Labcorp
Classification: Pathogenic for Microcephaly, normal intelligence and immunodeficiency. Last evaluated: 2021-10-09. Review status: criteria provided, single submitter. Criteria: Invitae Variant Classification Sherloc (09022015). Collection method: clinical testing. Allele origin: germline.
Comment: This variant has not been reported in the literature in individuals with NBN-related conditions. This sequence change creates a premature translational stop signal (p.Lys715Ilefs*4) in the NBN gene. It is expected to result in an absent or disrupted protein product. This variant is not present in population databases (ExAC no frequency). Loss-of-function variants in NBN are known to be pathogenic (PMID: 9590180, 16415040). For these reasons, this variant has been classified as Pathogenic.

Literature cited by the submitters: PubMed 9590180; PubMed 16415040.

NM_002485.5(NBN):c.2140_2143del (p.Lys715fs)

Gene: NBN (nibrin; minus strand). Cytogenetic location: 8q21.3.
Variant type: Deletion.
Coding change: c.2140_2143del on transcript NM_002485.5 (MANE Select); coding-DNA positions 2140 to 2143, 4 bases deleted (CGAA; older notation c.2140_2143delCGAA).
Protein change: p.Lys715fs; shifts the reading frame from lysine 715.
Molecular consequence: frameshift variant.
Genome position (GRCh38, 1-based): chr8:89,943,294-89,943,297, TTCG deleted on the plus strand (CGAA on the coding strand, the reverse complement: NBN is on the minus strand). VCF-style (leftmost placement, unchanged base first): chr8-89943293-TTTCG-T. GRCh37 (hg19) VCF-style: chr8-90955521-TTTCG-T.
Other names: c.1894_1897del, p.Lys633fs (NM_001024688.3); short protein forms K633fs, K715fs.
Identifiers: ClinVar variation 860347 (VCV000860347.7), dbSNP rs1810034093, ClinGen allele CA916080399.
Genomic context (GRCh38, chr8:89,943,293, plus strand): 5'-GGGCCTCACTTCCTACTAACCTCCATTTCCTGCCTTAGCCACTCTTCTAGTTCTGTATTC[TTTCG>T]AGCATGATGAGCTATTAGATCTGATCCTCCAATGATGTGTGGAAGTTTTCCTGCTCCAGG-3'